The following is an entry in ClinVar:

ClinVar aggregate classification (germline): Uncertain significance (1 of 4 stars; one submission).

Conditions:
Hereditary pheochromocytoma and paraganglioma. Also called: Hereditary paragangliomas and pheochromocytomas; Hereditary pheochromocytoma-paraganglioma; Hereditary Paraganglioma-Pheochromocytoma Syndromes. Identifiers: Orphanet 29072, MedGen C4274332, MONDO:0017366.

Submission:

Labcorp Genetics (formerly Invitae), Labcorp
Classification: Uncertain significance for Hereditary Paraganglioma-Pheochromocytoma Syndromes. Last evaluated: 2019-07-11. Review status: criteria provided, single submitter. Criteria: Invitae Variant Classification Sherloc (09022015). Collection method: clinical testing. Allele origin: germline.
Comment: A gross duplication of the genomic region encompassing the full coding sequence of the TMEM127 gene has been identified. The boundaries of this event are unknown as the duplication extends beyond the assayed region for this gene and therefore may encompass additional genes. As the precise location of this duplication is unknown, it may be in tandem or it may be located elsewhere in the genome. This variant has not been reported in the literature in individuals with TMEM127-related disease. In summary, the available evidence is currently insufficient to determine the role of this variant in disease. Therefore, it has been classified as a Variant of Uncertain Significance.

NC_000002.11:g.(?_96919536)_(96931129_?)dup

Genes: TMEM127 (transmembrane protein 127; minus strand), LOC110121224 (VISTA enhancer hs1919; plus strand), LOC129934333 (ATAC-STARR-seq lymphoblastoid silent region 11759; plus strand). Cytogenetic location: 2q11.2.
Variant type: Duplication.
Identifiers: ClinVar variation 646406 (VCV000646406.2).